The following is an entry in ClinVar:

NM_181703.4(GJA5):c.926G>C (p.Gly309Ala)

Gene: GJA5 (gap junction protein alpha 5; minus strand). Cytogenetic location: 1q21.2.
Variant type: single nucleotide variant.
Coding change: c.926G>C on transcript NM_181703.4 (MANE Select); coding-DNA position 926, G replaced by C.
Protein change: p.Gly309Ala; replaces glycine 309 with alanine.
Molecular consequence: missense variant.
Genome position (GRCh38, 1-based): chr1:147,758,313, C>G on the plus strand (G>C on the coding strand, the complement: GJA5 is on the minus strand). VCF-style: chr1-147758313-C-G. GRCh37 (hg19) VCF-style: chr1-147230421-C-G.
Other names: c.926G>C, p.Gly309Ala (NM_005266.7); short protein forms G309A.
Identifiers: ClinVar variation 2927221 (VCV002927221.3), dbSNP rs1261537063, ClinGen allele CA342394001.

ClinVar aggregate classification (germline): Uncertain significance (1 of 4 stars; one submission).

Conditions:
Atrial standstill 1 (ATRST1). Also called: ATRIAL CARDIOMYOPATHY WITH HEART BLOCK; CARDIOMYOPATHY, FAMILIAL, WITH CONDUCTION DISTURBANCE; Atrial standstill, digenic (GJA5/SCN5A). Identifiers: Orphanet 1344, MedGen C4551959, MONDO:0007171, OMIM 108770.
Atrial fibrillation, familial, 11 (ATFB11). Identifiers: MedGen C3279693, MONDO:0013544, OMIM 614049.

Submission:

Labcorp Genetics (formerly Invitae), Labcorp
Classification: Uncertain significance for Atrial fibrillation, familial, 11; Atrial standstill 1. Last evaluated: 2024-01-08. Review status: criteria provided, single submitter. Criteria: Invitae Variant Classification Sherloc (09022015). Collection method: clinical testing. Allele origin: germline.
Comment: This sequence change replaces glycine, which is neutral and non-polar, with alanine, which is neutral and non-polar, at codon 309 of the GJA5 protein (p.Gly309Ala). This variant is not present in population databases (gnomAD no frequency). This variant has not been reported in the literature in individuals affected with GJA5-related conditions. An algorithm developed to predict the effect of missense changes on protein structure and function (PolyPhen-2) suggests that this variant is likely to be tolerated. In summary, the available evidence is currently insufficient to determine the role of this variant in disease. Therefore, it has been classified as a Variant of Uncertain Significance.